The following is an entry in ClinVar:

ClinVar aggregate classification (germline): Uncertain significance. Review status: criteria provided, multiple submitters, no conflicts (2 of 4 stars). 2 submissions from 2 submitters: Uncertain significance (2). Last evaluated 2025-12-22.

Conditions:
Distal myopathy with posterior leg and anterior hand involvement. Also called: WILLIAMS DISTAL MYOPATHY. Identifiers: Orphanet 63273, MedGen C3279722, MONDO:0013550, OMIM 614065.
Hypertrophic cardiomyopathy 26. Also called: Cardiomyopathy, familial hypertrophic, 26. Identifiers: Orphanet 75249, MedGen C4310749, MONDO:0014883, OMIM 617047.
Myofibrillar myopathy 5. Also called: Filaminopathy (type); FILAMINOPATHY, AUTOSOMAL DOMINANT. Identifiers: Orphanet 171445, MedGen C1836050, MONDO:0012289, OMIM 609524.

Submissions (2):

Labcorp Genetics (formerly Invitae), Labcorp
Classification: Uncertain significance for Distal myopathy with posterior leg and anterior hand involvement; Myofibrillar myopathy 5; Hypertrophic cardiomyopathy 26. Last evaluated: 2025-12-22. Review status: criteria provided, single submitter. Criteria: Invitae Variant Classification Sherloc (09022015). Collection method: clinical testing. Allele origin: germline.
Comment: This sequence change replaces arginine, which is basic and polar, with leucine, which is neutral and non-polar, at codon 1811 of the FLNC protein (p.Arg1811Leu). This variant is not present in population databases (gnomAD no frequency). This variant has not been reported in the literature in individuals affected with FLNC-related conditions. ClinVar contains an entry for this variant (Variation ID: 4070653). Invitae Evidence Modeling of protein sequence and biophysical properties (such as structural, functional, and spatial information, amino acid conservation, physicochemical variation, residue mobility, and thermodynamic stability) has been performed for this missense variant. However, the output from this modeling did not meet the statistical confidence thresholds required to predict the impact of this variant on FLNC protein function. In summary, the available evidence is currently insufficient to determine the role of this variant in disease. Therefore, it has been classified as a Variant of Uncertain Significance.

GeneDx
Classification: Uncertain significance. Last evaluated: 2025-01-12. Review status: criteria provided, single submitter. Criteria: GeneDx Variant Classification Process June 2021. Collection method: clinical testing. Allele origin: germline. Affected: yes.
Comment: In silico analysis supports that this missense variant has a deleterious effect on protein structure/function; Has not been previously published as pathogenic or benign to our knowledge

NM_001458.5(FLNC):c.5432G>T (p.Arg1811Leu)

Genes: FLNC (filamin C; plus strand), FLNC-AS1 (FLNC antisense RNA 1; minus strand). Cytogenetic location: 7q32.1.
Variant type: single nucleotide variant.
Coding change: c.5432G>T on transcript NM_001458.5 (MANE Select); coding-DNA position 5432, G replaced by T.
Protein change: p.Arg1811Leu; replaces arginine 1811 with leucine.
Molecular consequence: missense variant.
Genome position (GRCh38, 1-based): chr7:128,850,836, G>T. VCF-style: chr7-128850836-G-T. GRCh37 (hg19) VCF-style: chr7-128490890-G-T.
Other names: c.5333G>T, p.Arg1778Leu (NM_001127487.2); short protein forms R1778L, R1811L.
Identifiers: ClinVar variation 4070653 (VCV004070653.2).